The following is an entry in ClinVar:

NM_001572.5(IRF7):c.821C>G (p.Ser274Cys)

Gene: IRF7 (interferon regulatory factor 7; minus strand). Cytogenetic location: 11p15.5.
Variant type: single nucleotide variant.
Coding change: c.821C>G on transcript NM_001572.5 (MANE Select); coding-DNA position 821, C replaced by G.
Protein change: p.Ser274Cys; replaces serine 274 with cysteine.
Molecular consequence: missense variant.
Genome position (GRCh38, 1-based): chr11:613,811, G>C on the plus strand (C>G on the coding strand, the complement: IRF7 is on the minus strand). VCF-style: chr11-613811-G-C. GRCh37 (hg19) VCF-style: chr11-613811-G-C.
Other names: c.734C>G, p.Ser245Cys (NM_004029.4); c.860C>G, p.Ser287Cys (NM_004031.4); short protein forms S274C, S245C, S287C.
Identifiers: ClinVar variation 2973703 (VCV002973703.3), dbSNP rs1281490497, ClinGen allele CA378979822.

ClinVar aggregate classification (germline): Uncertain significance (1 of 4 stars; one submission).

Conditions:
Immunodeficiency 39 (IMD39). Identifiers: Orphanet 574918, MedGen C4225358, MONDO:0014597, OMIM 616345.

Submission:

Labcorp Genetics (formerly Invitae), Labcorp
Classification: Uncertain significance for Immunodeficiency 39. Last evaluated: 2024-05-20. Review status: criteria provided, single submitter. Criteria: Invitae Variant Classification Sherloc (09022015). Collection method: clinical testing. Allele origin: germline.
Comment: This sequence change replaces serine, which is neutral and polar, with cysteine, which is neutral and slightly polar, at codon 287 of the IRF7 protein (p.Ser287Cys). This variant is present in population databases (no rsID available, gnomAD 0.02%). This variant has not been reported in the literature in individuals affected with IRF7-related conditions. Advanced modeling of protein sequence and biophysical properties (such as structural, functional, and spatial information, amino acid conservation, physicochemical variation, residue mobility, and thermodynamic stability) performed at Invitae indicates that this missense variant is not expected to disrupt IRF7 protein function with a negative predictive value of 80%. In summary, the available evidence is currently insufficient to determine the role of this variant in disease. Therefore, it has been classified as a Variant of Uncertain Significance.